The following is an entry in ClinVar:

NM_001370100.5(ZMYND11):c.349C>G (p.Leu117Val)

Gene: ZMYND11 (zinc finger MYND-type containing 11; plus strand). Cytogenetic location: 10p15.3.
Variant type: single nucleotide variant.
Coding change: c.349C>G on transcript NM_001370100.5 (MANE Select); coding-DNA position 349, C replaced by G.
Protein change: p.Leu117Val; replaces leucine 117 with valine.
Molecular consequence: missense variant. On other transcripts: non-coding transcript variant (1), intron variant (18).
Genome position (GRCh38, 1-based): chr10:221,267, C>G. VCF-style: chr10-221267-C-G. GRCh37 (hg19) VCF-style: chr10-267207-C-G.
Other names: c.349C>G, p.Leu117Val (NM_001161482.1, NM_001202468.1, NM_001370097.3 and 11 more transcripts); c.298C>G, p.Leu100Val (NM_001330057.3, NM_001370112.2); c.283C>G, p.Leu95Val (NM_001370116.2); c.229C>G, p.Leu77Val (NM_001370118.2); c.276+11219C>G (NM_001370103.2, NM_001370104.2, NM_001370105.2 and 11 more transcripts); c.210+11219C>G (NM_001370120.2); c.-33-15571C>G (NM_001370124.3); c.225+11219C>G (NM_001370123.2); and 1 more; short protein forms L100V, L117V, L77V, L95V.
Identifiers: ClinVar variation 1712277 (VCV001712277.1), dbSNP rs1156507228, ClinGen allele CA375842870.

ClinVar aggregate classification (germline): Uncertain significance (1 of 4 stars; one submission).

Conditions:
Intellectual developmental disorder, autosomal dominant 30, with speech delay and behavioral abnormalities. Also called: Intellectual disability, autosomal dominant 30. Identifiers: Orphanet 436151, MedGen C4015167, MONDO:0014486, OMIM 616083.

Allele frequency attached by ClinVar (database versions not stated): TOPMed below 0.00001.

Submission:

UNC Molecular Genetics  Laboratory, University of North Carolina at Chapel Hill
Classification: Uncertain significance for Intellectual developmental disorder, autosomal dominant 30, with speech delay and behavioral abnormalities. Last evaluated: 2022-01-25. Review status: criteria provided, single submitter. Criteria: ACMG Guidelines, 2015. Collection method: research. Allele origin: unknown. Observed: 1 variant allele. Study: CSER_NCGENES_2.
Comment: ZMYND11 c.349C>G p.(Leu117Val) is a missense variant which is predicted to change a single amino acid in the encoded protein from leucine to valine. This variant is absent from gnomAD. To our knowledge, this variant has not been previously reported in affected individuals in the literature. In the absence of clinical or functional evidence, this variant is classified as a variant of uncertain significance.